The following is an entry in ClinVar:

NM_020778.5(ALPK3):c.4394A>G (p.Tyr1465Cys)

Gene: ALPK3 (alpha kinase 3; plus strand). Cytogenetic location: 15q25.3.
Variant type: single nucleotide variant.
Coding change: c.4394A>G on transcript NM_020778.5 (MANE Select); coding-DNA position 4394, A replaced by G.
Protein change: p.Tyr1465Cys; replaces tyrosine 1465 with cysteine.
Molecular consequence: missense variant.
Genome position (GRCh38, 1-based): chr15:84,862,899, A>G. VCF-style: chr15-84862899-A-G. GRCh37 (hg19) VCF-style: chr15-85406130-A-G.
Other names: short protein forms Y1465C.
Identifiers: ClinVar variation 1326833 (VCV001326833.7), dbSNP rs771616717, ClinGen allele CA7709944.

ClinVar aggregate classification (germline): Uncertain significance. Review status: criteria provided, multiple submitters, no conflicts (2 of 4 stars). 3 submissions from 3 submitters: Uncertain significance (3). Last evaluated 2026-03-26.

Conditions:
Cardiovascular phenotype. Identifiers: MedGen CN230736.

Allele frequency attached by ClinVar (database versions not stated): gnomAD exomes below 0.00001; TOPMed below 0.00001; ExAC 0.00001; gnomAD 0.00001.
gnomAD v4.1: 4 of 1,613,688 alleles (0.00025%); highest among the groups gnomAD compares: African/African-American, 0.0013%; no homozygotes.

Submissions (3):

Ambry Genetics
Classification: Uncertain significance for Cardiovascular phenotype. Last evaluated: 2026-03-26. Review status: criteria provided, single submitter. Criteria: Ambry Variant Classification Scheme 2023. Collection method: clinical testing. Allele origin: germline.

Labcorp Genetics (formerly Invitae), Labcorp
Classification: Uncertain significance. Last evaluated: 2025-03-19. Review status: criteria provided, single submitter. Criteria: Invitae Variant Classification Sherloc (09022015). Collection method: clinical testing. Allele origin: germline.
Comment: This sequence change replaces tyrosine, which is neutral and polar, with cysteine, which is neutral and slightly polar, at codon 1667 of the ALPK3 protein (p.Tyr1667Cys). This variant is present in population databases (rs771616717, gnomAD 0.0009%). This variant has not been reported in the literature in individuals affected with ALPK3-related conditions. ClinVar contains an entry for this variant (Variation ID: 1326833). Invitae Evidence Modeling of protein sequence and biophysical properties (such as structural, functional, and spatial information, amino acid conservation, physicochemical variation, residue mobility, and thermodynamic stability) indicates that this missense variant is expected to disrupt ALPK3 protein function with a positive predictive value of 80%. In summary, the available evidence is currently insufficient to determine the role of this variant in disease. Therefore, it has been classified as a Variant of Uncertain Significance.

GeneDx
Classification: Uncertain significance. Last evaluated: 2021-05-28. Review status: criteria provided, single submitter. Criteria: GeneDx Variant Classification Process June 2021. Collection method: clinical testing. Allele origin: germline. Affected: yes.
Comment: Not observed at a significant frequency in large population cohorts (Lek et al., 2016); In silico analysis supports that this missense variant has a deleterious effect on protein structure/function; Has not been previously published as pathogenic or benign to our knowledge; This variant is associated with the following publications: (PMID: 27535533)